The following is an entry in ClinVar:

ClinVar aggregate classification (germline): Uncertain significance (1 of 4 stars; one submission).

Conditions:
NR0B1-related disorder.

Allele frequency attached by ClinVar (database versions not stated): gnomAD exomes below 0.00001; TOPMed below 0.00001; gnomAD 0.00001.
gnomAD v4.1: 2 of 1,210,036 alleles (0.00017%); highest among the groups gnomAD compares: Non-Finnish European, 0.00022%; no homozygotes.

Submission:

PreventionGenetics, part of Exact Sciences
Classification: Uncertain significance for NR0B1-related condition. Last evaluated: 2023-02-01. Review status: criteria provided, single submitter. Criteria: ACMG Guidelines, 2015. Collection method: clinical testing. Allele origin: germline.
Comment: The NR0B1 c.1109G>A variant is predicted to result in the amino acid substitution p.Ser370Asn. To our knowledge, this variant has not been reported in the literature or in a large population database, indicating this variant is rare. At this time, the clinical significance of this variant is uncertain due to the absence of conclusive functional and genetic evidence.

NM_000475.5(NR0B1):c.1109G>A (p.Ser370Asn)

Gene: NR0B1 (nuclear receptor subfamily 0 group B member 1; minus strand). Cytogenetic location: Xp21.2.
Variant type: single nucleotide variant.
Coding change: c.1109G>A on transcript NM_000475.5 (MANE Select); coding-DNA position 1109, G replaced by A.
Protein change: p.Ser370Asn; replaces serine 370 with asparagine.
Molecular consequence: missense variant.
Genome position (GRCh38, 1-based): chrX:30,308,255, C>T on the plus strand (G>A on the coding strand, the complement: NR0B1 is on the minus strand). VCF-style: chrX-30308255-C-T. GRCh37 (hg19) VCF-style: chrX-30326372-C-T.
Other names: short protein forms S370N.
Identifiers: ClinVar variation 2630071 (VCV002630071.1), dbSNP rs1325917476, ClinGen allele CA412546464.